The following is an entry in ClinVar:

NM_005121.3(MED13):c.1600C>A (p.Pro534Thr)

Gene: MED13 (mediator complex subunit 13; minus strand). Cytogenetic location: 17q23.2.
Variant type: single nucleotide variant.
Coding change: c.1600C>A on transcript NM_005121.3 (MANE Select); coding-DNA position 1600, C replaced by A.
Protein change: p.Pro534Thr; replaces proline 534 with threonine.
Molecular consequence: missense variant.
Genome position (GRCh38, 1-based): chr17:62,010,917, G>T on the plus strand (C>A on the coding strand, the complement: MED13 is on the minus strand). VCF-style: chr17-62010917-G-T. GRCh37 (hg19) VCF-style: chr17-60088278-G-T.
Other names: short protein forms P534T.
Identifiers: ClinVar variation 3602503 (VCV003602503.2).
Genomic context (GRCh38, chr17:62,010,917, plus strand): 5'-TTGAAGGTGTTTTAGTCACTCCTTCATCAACCACATCACAAGGGTGAGGACTAAGTGGGG[G>T]TGGTTGAGGTGAATTTGCCATTTCGGTGCCATGCATCTGAGGAGTCTTTGCTACATCATT-3'
Protein context (NP_005112.2, residues 524-544): GTEMANSPQP[Pro534Thr]PLSPHPCDVV

ClinVar aggregate classification (germline): Uncertain significance (1 of 4 stars; one submission).

gnomAD v4.1: 3 of 1,612,816 alleles (0.00019%); highest among the groups gnomAD compares: Non-Finnish European, 0.00025%; no homozygotes.

Submission:

GeneDx
Classification: Uncertain significance. Last evaluated: 2025-09-08. Review status: criteria provided, single submitter. Criteria: GeneDx Variant Classification Process June 2021. Collection method: clinical testing. Allele origin: germline. Affected: yes.
Comment: Not observed at significant frequency in large population cohorts (gnomAD); In silico analysis supports that this missense variant has a deleterious effect on protein structure/function; Has not been previously published as pathogenic or benign to our knowledge